The following is an entry in ClinVar:

ClinVar aggregate classification (germline): Likely pathogenic. Review status: criteria provided, multiple submitters, no conflicts (2 of 4 stars). 4 submissions from 4 submitters: Likely pathogenic (2). 2 of the submissions do not count toward it. Last evaluated 2026-02-23.

Conditions:
Rauch-Steindl syndrome (RAUST). Identifiers: Orphanet 659642, MedGen C5562061, MONDO:0859219, OMIM 619695.

Submissions (4):

GeneDx
Classification: Likely pathogenic. Last evaluated: 2026-02-23. Review status: criteria provided, single submitter. Criteria: GeneDx Variant Classification Process June 2021. Collection method: clinical testing. Allele origin: germline.
Comment: Nonsense variant predicted to result in protein truncation or nonsense mediated decay in a gene for which loss of function is a known mechanism of disease; Not observed at significant frequency in large population cohorts (gnomAD); Reported previously in a patient from a cohort of individuals with autism spectrum disorder (PMID: 33004838); This variant is associated with the following publications: (PMID: 39843441, 28191890, 33004838)

3billion
Classification: Likely pathogenic for Rauch-Steindl syndrome. Last evaluated: 2022-01-21. Review status: criteria provided, single submitter. Criteria: ACMG Guidelines, 2015. Collection method: clinical testing. Allele origin: germline. Inheritance: Autosomal dominant inheritance. Affected: yes. Observed: 1 heterozygote.
Comment: Stop-gained (nonsense): predicted to result in a loss or disruption of normal protein function through nonsense-mediated decay (NMD) or protein truncation. Multiple pathogenic variants are reported downstream of the variant (PVS1_VS). It is not observed in the gnomAD v2.1.1 dataset (PM2_M). Therefore, this variant is classified as likely pathogenic according to the recommendation of ACMG/AMP guideline.

Molecular Genetics Laboratory, BC Children's and BC Women's Hospitals
Classification: Pathogenic for Rauch-Steindl syndrome. Last evaluated: 2025-12-05. Review status: no assertion criteria provided. Criteria: ACMG Guidelines, 2015. Collection method: clinical testing. Allele origin: de novo. Affected: yes. Not counted in ClinVar's aggregate classification.

Zotz-Klimas Genetics Lab, MVZ Zotz Klimas
Classification: Pathogenic for Rauch-Steindl syndrome. Last evaluated: 2023-10-30. Review status: no assertion criteria provided. Collection method: clinical testing. Allele origin: germline. Affected: yes. Not counted in ClinVar's aggregate classification.

NM_001042424.3(NSD2):c.1348C>T (p.Arg450Ter)

Gene: NSD2 (nuclear receptor binding SET domain protein 2; plus strand). Cytogenetic location: 4p16.3.
Variant type: single nucleotide variant.
Coding change: c.1348C>T on transcript NM_001042424.3 (MANE Select); coding-DNA position 1348, C replaced by T.
Protein change: p.Arg450Ter; replaces arginine 450 with a stop codon.
Molecular consequence: nonsense.
Genome position (GRCh38, 1-based): chr4:1,918,561, C>T. VCF-style: chr4-1918561-C-T. GRCh37 (hg19) VCF-style: chr4-1920288-C-T.
Other names: c.1348C>T (NM_133330.2); c.1348C>T, p.Arg450Ter (NM_007331.2, NM_133330.3, NM_133331.3 and 2 more transcripts); short protein forms R450*.
Identifiers: ClinVar variation 1333374 (VCV001333374.5), dbSNP rs2108805626, ClinGen allele CA356008052.